The following is an entry in ClinVar:

ClinVar aggregate classification (germline): Uncertain significance (1 of 4 stars; one submission).

Allele frequency attached by ClinVar (database versions not stated): gnomAD exomes 0.00001; TOPMed 0.00002; gnomAD 0.00003.
gnomAD v4.1: 13 of 1,612,542 alleles (0.00081%); highest among the groups gnomAD compares: East Asian, 0.0022%; no homozygotes.

Submission:

Labcorp Genetics (formerly Invitae), Labcorp
Classification: Uncertain significance. Last evaluated: 2024-12-09. Review status: criteria provided, single submitter. Criteria: Invitae Variant Classification Sherloc (09022015). Collection method: clinical testing. Allele origin: germline.
Comment: This sequence change replaces alanine, which is neutral and non-polar, with threonine, which is neutral and polar, at codon 238 of the OPN1SW protein (p.Ala238Thr). This variant is present in population databases (no rsID available, gnomAD 0.003%). This variant has not been reported in the literature in individuals affected with OPN1SW-related conditions. ClinVar contains an entry for this variant (Variation ID: 1447258). An algorithm developed to predict the effect of missense changes on protein structure and function (PolyPhen-2) suggests that this variant is likely to be tolerated. In summary, the available evidence is currently insufficient to determine the role of this variant in disease. Therefore, it has been classified as a Variant of Uncertain Significance.

NM_001385125.1(OPN1SW):c.703G>A (p.Ala235Thr)

Gene: OPN1SW (opsin 1, short wave sensitive; minus strand). Cytogenetic location: 7q32.1.
Variant type: single nucleotide variant.
Coding change: c.703G>A on transcript NM_001385125.1 (MANE Select); coding-DNA position 703, G replaced by A.
Protein change: p.Ala235Thr; replaces alanine 235 with threonine.
Molecular consequence: missense variant.
Genome position (GRCh38, 1-based): chr7:128,773,864, C>T on the plus strand (G>A on the coding strand, the complement: OPN1SW is on the minus strand). VCF-style: chr7-128773864-C-T. GRCh37 (hg19) VCF-style: chr7-128413918-C-T.
Other names: short protein forms A235T.
Identifiers: ClinVar variation 1447258 (VCV001447258.6), dbSNP rs1239463905, ClinGen allele CA369218115.